The following is an entry in ClinVar:

NM_002296.4(LBR):c.746C>A (p.Ala249Asp)

Gene: LBR (lamin B receptor; minus strand). Cytogenetic location: 1q42.12.
Variant type: single nucleotide variant.
Coding change: c.746C>A on transcript NM_002296.4 (MANE Select); coding-DNA position 746, C replaced by A.
Protein change: p.Ala249Asp; replaces alanine 249 with aspartic acid.
Molecular consequence: missense variant.
Genome position (GRCh38, 1-based): chr1:225,418,075, G>T on the plus strand (C>A on the coding strand, the complement: LBR is on the minus strand). VCF-style: chr1-225418075-G-T. GRCh37 (hg19) VCF-style: chr1-225605777-G-T.
Other names: c.746C>A, p.Ala249Asp (NM_194442.3); short protein forms A249D.
Identifiers: ClinVar variation 295943 (VCV000295943.13), dbSNP rs200781118, ClinGen allele CA1417384.

ClinVar aggregate classification (germline): Conflicting classifications of pathogenicity. Review status: criteria provided, conflicting classifications (1 of 4 stars). 3 submissions from 3 submitters: Uncertain significance (1); Likely benign (2). Last evaluated 2025-08-18.

Conditions:
LBR-related disorder. Also called: LBR-related condition; LBR-related disorders.
Greenberg dysplasia (GRBGD). Also called: CHONDRODYSTROPHY, HYDROPIC AND PRENATALLY LETHAL TYPE; HEM SKELETAL DYSPLASIA; MOTH-EATEN SKELETAL DYSPLASIA. Identifiers: Orphanet 1426, MedGen C2931048, MONDO:0008974, OMIM 215140.

Allele frequency attached by ClinVar (database versions not stated): gnomAD 0.00007 and 0.00009; TOPMed 0.00007; gnomAD exomes 0.00010 and 0.00016; ESP Exome Variant Server 0.00015; ExAC 0.00017.
gnomAD v4.1: 162 of 1,614,034 alleles (0.01%); highest among the groups gnomAD compares: South Asian, 0.069%; 1 homozygote.

Submissions (3):

Labcorp Genetics (formerly Invitae), Labcorp
Classification: Likely benign. Last evaluated: 2025-08-18. Review status: criteria provided, single submitter. Criteria: Invitae Variant Classification Sherloc (09022015). Collection method: clinical testing. Allele origin: germline.

PreventionGenetics, part of Exact Sciences
Classification: Likely benign for LBR-related condition. Last evaluated: 2025-06-11. Review status: criteria provided, single submitter. Criteria: ACMG Guidelines, 2015. Collection method: clinical testing. Allele origin: germline.
Comment: This variant is classified as likely benign based on ACMG/AMP sequence variant interpretation guidelines (Richards et al. 2015 PMID: 25741868, with internal and published modifications).

Illumina Laboratory Services, Illumina
Classification: Uncertain significance for Greenberg dysplasia. Last evaluated: 2018-01-13. Review status: criteria provided, single submitter. Criteria: ICSL Variant Classification Criteria 13 December 2019. Collection method: clinical testing. Allele origin: germline.